The following is an entry in ClinVar:

NM_005251.3(FOXC2):c.971G>T (p.Gly324Val)

Gene: FOXC2 (forkhead box C2; plus strand). Cytogenetic location: 16q24.1.
Variant type: single nucleotide variant.
Coding change: c.971G>T on transcript NM_005251.3 (MANE Select); coding-DNA position 971, G replaced by T.
Protein change: p.Gly324Val; replaces glycine 324 with valine.
Molecular consequence: missense variant.
Genome position (GRCh38, 1-based): chr16:86,568,306, G>T. VCF-style: chr16-86568306-G-T. GRCh37 (hg19) VCF-style: chr16-86601912-G-T.
Other names: short protein forms G324V.
Identifiers: ClinVar variation 2830705 (VCV002830705.3), dbSNP rs2507945770, ClinGen allele CA397009177.

ClinVar aggregate classification (germline): Uncertain significance (1 of 4 stars; one submission).

Submission:

Labcorp Genetics (formerly Invitae), Labcorp
Classification: Uncertain significance. Last evaluated: 2024-03-18. Review status: criteria provided, single submitter. Criteria: Invitae Variant Classification Sherloc (09022015). Collection method: clinical testing. Allele origin: germline.
Comment: This sequence change replaces glycine, which is neutral and non-polar, with valine, which is neutral and non-polar, at codon 324 of the FOXC2 protein (p.Gly324Val). This variant is not present in population databases (gnomAD no frequency). This variant has not been reported in the literature in individuals affected with FOXC2-related conditions. An algorithm developed to predict the effect of missense changes on protein structure and function (PolyPhen-2) suggests that this variant is likely to be tolerated. In summary, the available evidence is currently insufficient to determine the role of this variant in disease. Therefore, it has been classified as a Variant of Uncertain Significance.